The following is an entry in ClinVar:

ClinVar aggregate classification (germline): Uncertain significance. Review status: criteria provided, multiple submitters, no conflicts (2 of 4 stars). 2 submissions from 2 submitters: Uncertain significance (2). Last evaluated 2025-03-04.

Conditions:
Cardiovascular phenotype. Identifiers: MedGen CN230736.
Long QT syndrome 10 (LQT10). Identifiers: Orphanet 101016, Orphanet 768, MedGen C2678484, MONDO:0012737, OMIM 611819.

Allele frequency attached by ClinVar (database versions not stated): gnomAD exomes below 0.00001; TOPMed below 0.00001; gnomAD 0.00001; 1000 Genomes Project 30x 0.00016.
gnomAD v4.1: 4 of 1,598,842 alleles (0.00025%); highest among the groups gnomAD compares: African/African-American, 0.0043%; no homozygotes.

Submissions (2):

Ambry Genetics
Classification: Uncertain significance for Cardiovascular phenotype. Last evaluated: 2025-03-04. Review status: criteria provided, single submitter. Criteria: Ambry Variant Classification Scheme 2023. Collection method: clinical testing. Allele origin: germline.
Comment: The p.V35A variant (also known as c.104T>C), located in coding exon 2 of the SCN4B gene, results from a T to C substitution at nucleotide position 104. The valine at codon 35 is replaced by alanine, an amino acid with similar properties. This amino acid position is conserved. In addition, the in silico prediction for this alteration is inconclusive. Since supporting evidence is limited at this time, the clinical significance of this alteration remains unclear.

Labcorp Genetics (formerly Invitae), Labcorp
Classification: Uncertain significance for Long QT syndrome 10. Last evaluated: 2022-02-20. Review status: criteria provided, single submitter. Criteria: Invitae Variant Classification Sherloc (09022015). Collection method: clinical testing. Allele origin: germline.
Comment: In summary, the available evidence is currently insufficient to determine the role of this variant in disease. Therefore, it has been classified as a Variant of Uncertain Significance. Algorithms developed to predict the effect of missense changes on protein structure and function are either unavailable or do not agree on the potential impact of this missense change (SIFT: "Tolerated"; PolyPhen-2: "Probably Damaging"; Align-GVGD: "Class C0"). This variant has not been reported in the literature in individuals affected with SCN4B-related conditions. This variant is not present in population databases (gnomAD no frequency). This sequence change replaces valine, which is neutral and non-polar, with alanine, which is neutral and non-polar, at codon 35 of the SCN4B protein (p.Val35Ala).

NM_174934.4(SCN4B):c.104T>C (p.Val35Ala)

Gene: SCN4B (sodium voltage-gated channel beta subunit 4; minus strand). Cytogenetic location: 11q23.3.
Variant type: single nucleotide variant.
Coding change: c.104T>C on transcript NM_174934.4 (MANE Select); coding-DNA position 104, T replaced by C.
Protein change: p.Val35Ala; replaces valine 35 with alanine.
Molecular consequence: missense variant. On other transcripts: 5 prime UTR variant (1), non-coding transcript variant (1), intron variant (1).
Genome position (GRCh38, 1-based): chr11:118,145,187, A>G on the plus strand (T>C on the coding strand, the complement: SCN4B is on the minus strand). VCF-style: chr11-118145187-A-G. GRCh37 (hg19) VCF-style: chr11-118015902-A-G.
Other names: c.-227T>C (NM_001142349.2); c.62-3851T>C (NM_001142348.2); short protein forms V35A.
Identifiers: ClinVar variation 1776721 (VCV001776721.8), dbSNP rs1948155529, ClinGen allele CA382778913.